The following is an entry in ClinVar:

ClinVar aggregate classification (germline): Likely benign. Review status: criteria provided, multiple submitters, no conflicts (2 of 4 stars). 3 submissions from 3 submitters: Likely benign (2). 1 of the submissions does not count toward it. Last evaluated 2025-09-09.

Conditions:
NFKB2-related disorder. Also called: NFKB2-related condition.
Immunodeficiency, common variable, 10. Also called: DEFICIT IN ANTERIOR PITUITARY FUNCTION AND VARIABLE IMMUNODEFICIENCY; IMMUNODEFICIENCY, COMMON VARIABLE, WITH CENTRAL ADRENAL INSUFFICIENCY. Identifiers: MedGen C3809991, MONDO:0014260, OMIM 615577.

Allele frequency attached by ClinVar (database versions not stated): ExAC 0.00001; gnomAD exomes 0.00002 and 0.00008; TOPMed 0.00004; gnomAD 0.00005 and 0.00006.
gnomAD v4.1: 125 of 1,613,990 alleles (0.0077%); highest among the groups gnomAD compares: Non-Finnish European, 0.01%; no homozygotes.

Submissions (3):

Labcorp Genetics (formerly Invitae), Labcorp
Classification: Likely benign for Immunodeficiency, common variable, 10. Last evaluated: 2025-09-09. Review status: criteria provided, single submitter. Criteria: Invitae Variant Classification Sherloc (09022015). Collection method: clinical testing. Allele origin: germline.

GeneDx
Classification: Likely benign. Last evaluated: 2017-04-05. Review status: criteria provided, single submitter. Criteria: GeneDx Variant Classification (06012015). Collection method: clinical testing. Allele origin: germline. Affected: yes.
Comment: This variant is considered likely benign or benign based on one or more of the following criteria: it is a conservative change, it occurs at a poorly conserved position in the protein, it is predicted to be benign by multiple in silico algorithms, and/or has population frequency not consistent with disease.

PreventionGenetics, part of Exact Sciences
Classification: Likely benign for NFKB2-related condition. Last evaluated: 2020-02-20. Review status: no assertion criteria provided. Collection method: clinical testing. Allele origin: germline. Not counted in ClinVar's aggregate classification.
Comment: This variant is classified as likely benign based on ACMG/AMP sequence variant interpretation guidelines (Richards et al. 2015 PMID: 25741868, with internal and published modifications).

NM_001322934.2(NFKB2):c.2067G>A (p.Lys689=)

Gene: NFKB2 (nuclear factor kappa B subunit 2; plus strand). Cytogenetic location: 10q24.32.
Variant type: single nucleotide variant.
Coding change: c.2067G>A on transcript NM_001322934.2 (MANE Select); coding-DNA position 2067, G replaced by A.
Protein change: p.Lys689=; no amino-acid change (lysine 689 retained).
Molecular consequence: synonymous variant.
Genome position (GRCh38, 1-based): chr10:102,401,045, G>A. VCF-style: chr10-102401045-G-A. GRCh37 (hg19) VCF-style: chr10-104160802-G-A.
Other names: c.2067G>A, p.Lys689= (LRG_1347t1, NM_001077494.3, NM_001261403.3 and 2 more transcripts); c.1941G>A, p.Lys647= (NM_001322935.1).
Identifiers: ClinVar variation 508532 (VCV000508532.12), dbSNP rs745876650, ClinGen allele CA5664962.